The following is an entry in ClinVar:

ClinVar aggregate classification (germline): Conflicting classifications of pathogenicity. Review status: criteria provided, conflicting classifications (1 of 4 stars). 9 submissions from 8 submitters: Uncertain significance (3); Likely benign (4). 2 of the submissions do not count toward it. Last evaluated 2025-11-05.

Conditions:
CFTR-related disorder (CFTR-RD). Also called: CFTR-related condition; CFTR-related disorders. Identifiers: MedGen C5924204, MONDO:7770004.
Congenital bilateral aplasia of vas deferens from CFTR mutation (CBAVD). Identifiers: Orphanet 48, MedGen C0403814, MONDO:0010178, OMIM 277180. Disease mechanism: loss of function.
Cystic fibrosis (CF). Also called: MUCOVISCIDOSIS. Identifiers: Orphanet 586, MedGen C0010674, MONDO:0009061, OMIM 219700. Disease mechanism: loss of function.

Allele frequency attached by ClinVar (database versions not stated): TOPMed 0.00001.
gnomAD v4.1: 13 of 1,306,156 alleles (0.001%); highest among the groups gnomAD compares: Middle Eastern, 0.055%; no homozygotes.

Submissions (9):

Quest Diagnostics Nichols Institute San Juan Capistrano
Classification: Likely benign. Last evaluated: 2025-11-05. Review status: criteria provided, single submitter. Criteria: Quest Diagnostics criteria. Collection method: clinical testing. Allele origin: unknown.

Labcorp Genetics (formerly Invitae), Labcorp
Classification: Likely benign for Cystic fibrosis. Last evaluated: 2025-07-29. Review status: criteria provided, single submitter. Criteria: Invitae Variant Classification Sherloc (09022015). Collection method: clinical testing. Allele origin: germline.

Women's Health and Genetics/Laboratory Corporation of America, LabCorp
Classification: Likely benign. Last evaluated: 2025-01-06. Review status: criteria provided, single submitter. Criteria: LabCorp Variant Classification Summary - May 2015. Collection method: clinical testing. Allele origin: germline.
Comment: Variant summary: CFTR c.164+9A>T alters a non-conserved nucleotide located at a position not widely known to affect splicing. Consensus agreement among computation tools predict no significant impact on normal splicing (TrAP). However, these predictions have yet to be confirmed by functional studies. The variant allele was found at a frequency of 1.2e-05 in 248920 control chromosomes. The available data on variant occurrences in the general population are insufficient to allow any conclusion about variant significance. c.164+9A>T has been reported in the literature in individuals affected with Cystic Fibrosis, without strong evidence for causality (Onay_1998). These report(s) do not provide unequivocal conclusions about association of the variant with Cystic Fibrosis. To our knowledge, no experimental evidence demonstrating an impact on protein function has been reported. ClinVar contains an entry for this variant (Variation ID: 53309). Based on the evidence outlined above, the variant was classified as likely benign.

Blueprint Genetics
Classification: Uncertain significance. Last evaluated: 2023-06-12. Review status: criteria provided, single submitter. Criteria: ACMG Guidelines, 2015. Collection method: clinical testing. Allele origin: germline.

Ambry Genetics
Classification: Likely benign for Cystic fibrosis. Last evaluated: 2022-06-16. Review status: criteria provided, single submitter. Criteria: Ambry Variant Classification Scheme 2023. Collection method: clinical testing. Allele origin: germline.

Genome-Nilou Lab
Classification: Uncertain significance for Cystic fibrosis. Last evaluated: 2021-07-22. Review status: criteria provided, single submitter. Criteria: ACMG Guidelines, 2015. Collection method: clinical testing. Allele origin: germline. Affected: no.

Genome-Nilou Lab
Classification: Uncertain significance for Congenital bilateral aplasia of vas deferens from CFTR mutation. Last evaluated: 2021-07-22. Review status: criteria provided, single submitter. Criteria: ACMG Guidelines, 2015. Collection method: clinical testing. Allele origin: germline. Affected: no.

PreventionGenetics, part of Exact Sciences
Classification: Likely benign for CFTR-related condition. Last evaluated: 2019-04-02. Review status: no assertion criteria provided. Collection method: clinical testing. Allele origin: germline. Not counted in ClinVar's aggregate classification.
Comment: This variant is classified as likely benign based on ACMG/AMP sequence variant interpretation guidelines (Richards et al. 2015 PMID: 25741868, with internal and published modifications).

ClinVar Staff, National Center for Biotechnology Information (NCBI)
No classification provided. Condition: CFTR-related disorders. Review status: no classification provided. Collection method: literature only. Allele origin: germline. Affected: yes. Not counted in ClinVar's aggregate classification.

Literature cited by the submitters: PubMed 12007216 (cited by Quest Diagnostics Nichols Institute San Juan Capistrano and Women's Health and Genetics/Laboratory Corporation of America, LabCorp); PubMed 33572515 (cited by Quest Diagnostics Nichols Institute San Juan Capistrano); PubMed 26437683 (cited by Quest Diagnostics Nichols Institute San Juan Capistrano and Women's Health and Genetics/Laboratory Corporation of America, LabCorp); PubMed 11446424 (cited by Quest Diagnostics Nichols Institute San Juan Capistrano and ClinVar Staff, National Center for Biotechnology Information (NCBI)); PubMed 19372188 (cited by Quest Diagnostics Nichols Institute San Juan Capistrano and Women's Health and Genetics/Laboratory Corporation of America, LabCorp); PubMed 9521595 (cited by Women's Health and Genetics/Laboratory Corporation of America, LabCorp).

NM_000492.4(CFTR):c.164+9A>T

Gene: CFTR (CF transmembrane conductance regulator; plus strand). Cytogenetic location: 7q31.2.
Variant type: single nucleotide variant.
Coding change: c.164+9A>T on transcript NM_000492.4 (MANE Select); 9 bases into the intron after coding-DNA position 164, A replaced by T.
Molecular consequence: intron variant.
Genome position (GRCh38, 1-based): chr7:117,504,372, A>T. VCF-style: chr7-117504372-A-T. GRCh37 (hg19) VCF-style: chr7-117144426-A-T.
Identifiers: ClinVar variation 53309 (VCV000053309.23), dbSNP rs397508245, ClinGen allele CA326568.